The following is an entry in ClinVar:

ClinVar aggregate classification (germline): Likely benign (1 of 4 stars; one submission).

Submission:

CeGaT Center for Human Genetics Tuebingen
Classification: Likely benign. Last evaluated: 2025-03-01. Review status: criteria provided, single submitter. Criteria: CeGaT Center For Human Genetics Tuebingen Variant Classification Criteria Version 2. Collection method: clinical testing. Allele origin: germline. Affected: yes. Observed: 1 variant allele.
Comment: HCN1: PM2:Supporting, BP4, BP7

NM_021072.4(HCN1):c.1362T>C (p.Asn454=)

Gene: HCN1 (hyperpolarization activated cyclic nucleotide gated potassium channel 1; minus strand). Cytogenetic location: 5p12.
Variant type: single nucleotide variant.
Coding change: c.1362T>C on transcript NM_021072.4 (MANE Select); coding-DNA position 1362, T replaced by C.
Protein change: p.Asn454=; no amino-acid change (asparagine 454 retained).
Molecular consequence: synonymous variant.
Genome position (GRCh38, 1-based): chr5:45,353,115, A>G on the plus strand (T>C on the coding strand, the complement: HCN1 is on the minus strand). VCF-style: chr5-45353115-A-G. GRCh37 (hg19) VCF-style: chr5-45353217-A-G.
Identifiers: ClinVar variation 3389731 (VCV003389731.14).
Genomic context (GRCh38, chr5:45,353,115, plus strand): 5'-AAACAATGATTATGTATTATGCATACTGAGGACAATAAATCTTACCTCTCTCAGAGGATC[A>G]TTGAGTTCATTGAGAATATTTTCCTCATCAAAGATTTTGCCTTGGTATCTGTGTTCATAG-3'
Protein context (NP_066550.2, residues 444-464): FDEENILNEL[Asn454=]DPLREEIVNF